The following is an entry in ClinVar:

NM_024675.4(PALB2):c.2625_2626del (p.Met875fs)

Gene: PALB2 (partner and localizer of BRCA2; minus strand). Cytogenetic location: 16p12.2.
Variant type: Deletion.
Coding change: c.2625_2626del on transcript NM_024675.4 (MANE Select); coding-DNA positions 2625 to 2626, 2 bases deleted (GT; older notation c.2625_2626delGT).
Protein change: p.Met875fs; shifts the reading frame from methionine 875.
Molecular consequence: frameshift variant. On other transcripts: intron variant (3).
Genome position (GRCh38, 1-based): chr16:23,626,358-23,626,359, AC deleted on the plus strand (GT on the coding strand, the reverse complement: PALB2 is on the minus strand); deleting any 2 consecutive bases within chr16:23,626,358-23,626,360 gives the same sequence; the c. name uses the placement nearest the transcript's 3' end. VCF-style (leftmost placement, unchanged base first): chr16-23626357-AAC-A. GRCh37 (hg19) VCF-style: chr16-23637678-AAC-A.
Other names: c.2565_2566del, p.Met855fs (NM_001407296.1); c.2553_2554del, p.Met851fs (NM_001407297.1); c.2625_2626del, p.Met875fs (NM_001407299.1, NM_001407300.1, NM_001407301.1); c.1740_1741del, p.Met580fs (NM_001407304.1, NM_001407305.1, NM_001407306.1 and 4 more transcripts); c.837_838del, p.Met279fs (NM_001407312.1, NM_001407313.1); c.159_160del, p.Met53fs (NM_001407314.1); c.2587-2265_2587-2264del (NM_001407302.1, NM_001407298.1); c.1702-2265_1702-2264del (NM_001407307.1); short protein forms M279fs, M53fs, M851fs, M580fs, M875fs, M855fs.
Identifiers: ClinVar variation 3726454 (VCV003726454.2).

ClinVar aggregate classification (germline): Pathogenic (1 of 4 stars; one submission).

Conditions:
Familial cancer of breast. Also called: Hereditary breast cancer; BREAST CANCER, FAMILIAL; hereditary breast carcinoma. Identifiers: Orphanet 227535, MedGen C0346153, MONDO:0016419, OMIM 114480. Disease mechanism: loss of function.

Submission:

Labcorp Genetics (formerly Invitae), Labcorp
Classification: Pathogenic for Familial cancer of breast. Last evaluated: 2024-12-03. Review status: criteria provided, single submitter. Criteria: Invitae Variant Classification Sherloc (09022015). Collection method: clinical testing. Allele origin: germline.
Comment: This sequence change creates a premature translational stop signal (p.Met875Ilefs*8) in the PALB2 gene. It is expected to result in an absent or disrupted protein product. Loss-of-function variants in PALB2 are known to be pathogenic (PMID: 17200668, 17200671, 17200672, 24136930, 25099575). This variant is not present in population databases (gnomAD no frequency). This variant has not been reported in the literature in individuals affected with PALB2-related conditions. Algorithms developed to predict the effect of sequence changes on RNA splicing suggest that this variant may disrupt the consensus splice site. For these reasons, this variant has been classified as Pathogenic.

Literature cited by the submitters: PubMed 17200668; PubMed 17200671; PubMed 17200672; PubMed 24136930; PubMed 25099575.